The following is an entry in ClinVar:

ClinVar aggregate classification (germline): Uncertain significance (1 of 4 stars; one submission).

Conditions:
FGA-related disorder. Also called: FGA-related condition; FGA-related disorders.

Submission:

PreventionGenetics, part of Exact Sciences
Classification: Uncertain significance for FGA-related condition. Last evaluated: 2025-12-09. Review status: criteria provided, single submitter. Criteria: ACMG Guidelines, 2015. Collection method: clinical testing. Allele origin: germline.
Comment: The FGA c.1937G>T variant is predicted to result in the amino acid substitution p.Gly646Val. To our knowledge, this variant has not been reported in the literature or in a large population database (gnomAD), indicating this variant is rare. At this time, the clinical significance of this variant is uncertain due to the absence of conclusive functional and genetic evidence.

NM_000508.5(FGA):c.1937G>T (p.Gly646Val)

Gene: FGA (fibrinogen alpha chain; minus strand). Cytogenetic location: 4q31.3.
Variant type: single nucleotide variant.
Coding change: c.1937G>T on transcript NM_000508.5; coding-DNA position 1937, G replaced by T.
Protein change: p.Gly646Val; replaces glycine 646 with valine.
Molecular consequence: missense variant.
Genome position (GRCh38, 1-based): chr4:154,584,788, C>A on the plus strand (G>T on the coding strand, the complement: FGA is on the minus strand). VCF-style: chr4-154584788-C-A. GRCh37 (hg19) VCF-style: chr4-155505940-C-A.
Other names: short protein forms G646V.
Identifiers: ClinVar variation 4991799 (VCV004991799.1).